The following is an entry in ClinVar:

ClinVar aggregate classification (germline): Likely benign. Review status: criteria provided, multiple submitters, no conflicts (2 of 4 stars). 3 submissions from 3 submitters: Likely benign (3). Last evaluated 2026-01-19.

Conditions:
RYR1-related disorder. Also called: RYR1-related disorders; RYR1-related condition. Identifiers: MedGen CN239331.

Allele frequency attached by ClinVar (database versions not stated): gnomAD exomes below 0.00001 and 0.00001; gnomAD 0.00001.
gnomAD v4.1: 15 of 1,612,624 alleles (0.00093%); highest among the groups gnomAD compares: African/African-American, 0.0013%; no homozygotes.

Submissions (3):

Labcorp Genetics (formerly Invitae), Labcorp
Classification: Likely benign for RYR1-related disorder. Last evaluated: 2026-01-19. Review status: criteria provided, single submitter. Criteria: Invitae Variant Classification Sherloc (09022015). Collection method: clinical testing. Allele origin: germline.

CeGaT Center for Human Genetics Tuebingen
Classification: Likely benign. Last evaluated: 2024-03-01. Review status: criteria provided, single submitter. Criteria: CeGaT Center For Human Genetics Tuebingen Variant Classification Criteria Version 2. Collection method: clinical testing. Allele origin: germline. Affected: yes. Observed: 2 variant alleles.
Comment: RYR1: BP4, BP7

Blueprint Genetics
Classification: Likely benign. Last evaluated: 2023-11-30. Review status: criteria provided, single submitter. Criteria: ACMG Guidelines, 2015. Collection method: clinical testing. Allele origin: germline.

NM_000540.3(RYR1):c.8802C>T (p.Gly2934=)

Gene: RYR1 (ryanodine receptor 1; plus strand). Cytogenetic location: 19q13.2.
Variant type: single nucleotide variant.
Coding change: c.8802C>T on transcript NM_000540.3 (MANE Select); coding-DNA position 8802, C replaced by T.
Protein change: p.Gly2934=; no amino-acid change (glycine 2934 retained).
Molecular consequence: synonymous variant.
Genome position (GRCh38, 1-based): chr19:38,506,938, C>T. VCF-style: chr19-38506938-C-T. GRCh37 (hg19) VCF-style: chr19-38997578-C-T.
Other names: c.8802C>T, p.Gly2934= (NM_001042723.2).
Identifiers: ClinVar variation 1176376 (VCV001176376.42), dbSNP rs1568514231, ClinGen allele CA507245815.